The following is an entry in ClinVar:

NM_015909.4(NBAS):c.379G>A (p.Val127Ile)

Gene: NBAS (NBAS subunit of NRZ tethering complex; minus strand). Cytogenetic location: 2p24.3.
Variant type: single nucleotide variant.
Coding change: c.379G>A on transcript NM_015909.4 (MANE Select); coding-DNA position 379, G replaced by A.
Protein change: p.Val127Ile; replaces valine 127 with isoleucine.
Molecular consequence: missense variant. On other transcripts: non-coding transcript variant (1).
Genome position (GRCh38, 1-based): chr2:15,551,493, C>T on the plus strand (G>A on the coding strand, the complement: NBAS is on the minus strand). VCF-style: chr2-15551493-C-T. GRCh37 (hg19) VCF-style: chr2-15691617-C-T.
Other names: short protein forms V127I.
Identifiers: ClinVar variation 1474342 (VCV001474342.6), dbSNP rs1664383881, ClinGen allele CA345892454.

ClinVar aggregate classification (germline): Uncertain significance (1 of 4 stars; one submission).

Allele frequency attached by ClinVar (database versions not stated): TOPMed below 0.00001.

Submission:

Labcorp Genetics (formerly Invitae), Labcorp
Classification: Uncertain significance. Last evaluated: 2021-10-25. Review status: criteria provided, single submitter. Criteria: Invitae Variant Classification Sherloc (09022015). Collection method: clinical testing. Allele origin: germline.
Comment: This variant has not been reported in the literature in individuals affected with NBAS-related conditions. This variant is not present in population databases (ExAC no frequency). This sequence change replaces valine with isoleucine at codon 127 of the NBAS protein (p.Val127Ile). The valine residue is highly conserved and there is a small physicochemical difference between valine and isoleucine. This variant also falls at the last nucleotide of exon 6, which is part of the consensus splice site for this exon. Algorithms developed to predict the effect of missense changes on protein structure and function (SIFT, PolyPhen-2, Align-GVGD) all suggest that this variant is likely to be disruptive. In summary, the available evidence is currently insufficient to determine the role of this variant in disease. Therefore, it has been classified as a Variant of Uncertain Significance. Variants that disrupt the consensus splice site are a relatively common cause of aberrant splicing (PMID: 17576681, 9536098). Algorithms developed to predict the effect of sequence changes on RNA splicing suggest that this variant may disrupt the consensus splice site.

Literature cited by the submitters: PubMed 17576681; PubMed 9536098.